The following is an entry in ClinVar:

NM_000451.4(SHOX):c.39C>A (p.Asp13Glu)

Gene: SHOX (SHOX homeobox; plus strand). Cytogenetic location: Xp22.33.
Variant type: single nucleotide variant.
Coding change: c.39C>A on transcript NM_000451.4 (MANE Select); coding-DNA position 39, C replaced by A.
Protein change: p.Asp13Glu; replaces aspartic acid 13 with glutamic acid.
Molecular consequence: missense variant.
Genome position (GRCh38, 1-based): chrX:630,936, C>A. VCF-style: chrX-630936-C-A. GRCh37 (hg19) VCF-style: chrX-591671-C-A.
Other names: c.39C>A, p.Asp13Glu (NM_006883.2); short protein forms D13E.
Identifiers: ClinVar variation 3370821 (VCV003370821.2).

ClinVar aggregate classification (germline): Uncertain significance (1 of 4 stars; one submission).

Submission:

GeneDx
Classification: Uncertain significance. Last evaluated: 2025-01-09. Review status: criteria provided, single submitter. Criteria: GeneDx Variant Classification Process June 2021. Collection method: clinical testing. Allele origin: germline. Affected: yes.
Comment: Not observed at significant frequency in large population cohorts (gnomAD); In silico analysis indicates that this missense variant does not alter protein structure/function; Has not been previously published as pathogenic or benign to our knowledge